The following is an entry in ClinVar:

ClinVar aggregate classification (germline): Likely pathogenic. Review status: criteria provided, multiple submitters, no conflicts (2 of 4 stars). 2 submissions from 2 submitters: Likely pathogenic (2). Last evaluated 2025-03-05.

Conditions:
Cardiovascular phenotype. Identifiers: MedGen CN230736.
Autosomal recessive limb-girdle muscular dystrophy type 2J (LGMDR10). Also called: Limb-girdle muscular dystrophy, type 2J; MUSCULAR DYSTROPHY, LIMB-GIRDLE, AUTOSOMAL RECESSIVE 10. Identifiers: Orphanet 140922, MedGen C1837342, MONDO:0012127, OMIM 608807.
Dilated cardiomyopathy 1G (CMD1G). Identifiers: Orphanet 154, MedGen C1858763, MONDO:0011400, OMIM 604145.

Submissions (2):

Labcorp Genetics (formerly Invitae), Labcorp
Classification: Likely pathogenic for Dilated cardiomyopathy 1G; Autosomal recessive limb-girdle muscular dystrophy type 2J. Last evaluated: 2025-03-05. Review status: criteria provided, single submitter. Criteria: Invitae Variant Classification Sherloc (09022015). Collection method: clinical testing. Allele origin: germline.
Comment: This sequence change creates a premature translational stop signal (p.Ile28756Argfs*3) in the TTN gene. While this is not anticipated to result in nonsense mediated decay, it is expected to create a truncated TTN protein. This variant is not present in population databases (gnomAD no frequency). This variant has not been reported in the literature in individuals affected with TTN-related conditions. ClinVar contains an entry for this variant (Variation ID: 1750420). This variant is located in the A band of TTN (PMID: 25589632). Truncating variants in this region are significantly overrepresented in patients affected with dilated cardiomyopathy (PMID: 25589632). Truncating variants in this region have also been reported in individuals affected with autosomal recessive centronuclear myopathy (PMID: 23975875). In summary, the currently available evidence indicates that the variant is pathogenic, but additional data are needed to prove that conclusively. Therefore, this variant has been classified as Likely Pathogenic.

Ambry Genetics
Classification: Likely pathogenic for Cardiovascular phenotype. Last evaluated: 2018-05-07. Review status: criteria provided, single submitter. Criteria: Ambry Variant Classification Scheme 2023. Collection method: clinical testing. Allele origin: germline.
Comment: The c.59072_59073delTT variant, located in coding exon 153 of the TTN gene, results from a deletion of two nucleotides at nucleotide positions 59072 to 59073, causing a translational frameshift with a predicted alternate stop codon (p.I19691Rfs*3). This exon is located in the A-band region of the N2-B isoform of the titin protein and is constitutively expressed in TTN transcripts (percent spliced in or PSI 100%). While truncating variants in TTN are present in 1-3% of the general population, truncating variants in the A-band are the most common cause of dilated cardiomyopathy (DCM) (Herman DS et al. N. Engl. J. Med. 2012 Feb;366:619-28; Roberts AM et al. Sci Transl Med. 2015 Jan;7:270ra6). TTN truncating variants encoded in constitutive exons (PSI >90%) have been found to be significantly associated with DCM regardless of their position in titin (Schafer S et al. Nat. Genet. 2017 Jan;49:46-53). This alteration is expected to result in loss of function by premature protein truncation or nonsense-mediated mRNA decay. As such, this alteration is classified as likely pathogenic.

Literature cited by the submitters: PubMed 25589632 (cited by Labcorp Genetics (formerly Invitae), Labcorp); PubMed 23975875 (cited by Labcorp Genetics (formerly Invitae), Labcorp).

NM_001267550.2(TTN):c.86267_86268del (p.Ile28756fs)

Genes: TTN-AS1 (TTN antisense RNA 1; plus strand), TTN (titin; minus strand). Cytogenetic location: 2q31.2.
Variant type: Deletion.
Coding change: c.86267_86268del on transcript NM_001267550.2 (MANE Select); coding-DNA positions 86267 to 86268, 2 bases deleted (TT; older notation c.86267_86268delTT).
Protein change: p.Ile28756fs; shifts the reading frame from isoleucine 28756.
Molecular consequence: frameshift variant.
Genome position (GRCh38, 1-based): chr2:178,559,864-178,559,865, AA deleted on the plus strand (TT on the coding strand, the reverse complement: TTN is on the minus strand). VCF-style (leftmost placement, unchanged base first): chr2-178559863-CAA-C. GRCh37 (hg19) VCF-style: chr2-179424590-CAA-C.
Other names: c.81344_81345del, p.Ile27115fs (NM_001256850.1); c.59072_59073del, p.Ile19691fs (NM_003319.4); c.78563_78564del, p.Ile26188fs (NM_133378.4); c.59447_59448del, p.Ile19816fs (NM_133432.3); c.59648_59649del, p.Ile19883fs (NM_133437.4); c.59072_59073delTT (NM_003319.4); short protein forms I19816fs, I26188fs, I19883fs, I27115fs, I28756fs, I19691fs.
Identifiers: ClinVar variation 1750420 (VCV001750420.4), dbSNP rs2469637523, ClinGen allele CA2580064849.
Genomic context (GRCh38, chr2:178,559,863, plus strand): 5'-GCACAGTCATGGTAAATGAGGCACCAGCCTTGACAATCAAGGTCTTCCTCATTTCACTGT[CAA>C]TATCAAATAAAGGTTCTTCTTCTCTTTCCTTTGCTATCTGAGGGTCAGAGCTATCACTGG-3'